The following is an entry in ClinVar:

ClinVar aggregate classification (germline): Uncertain significance. Review status: criteria provided, multiple submitters, no conflicts (2 of 4 stars). 2 submissions from 2 submitters: Uncertain significance (2). Last evaluated 2026-05-06.

Conditions:
Inborn genetic diseases. Identifiers: MedGen C0950123, MeSH D030342.
Epilepsy, X-linked 1, with variable learning disabilities and behavior disorders. Also called: X-linked epilepsy-learning disabilities-behavior disorders syndrome. Identifiers: Orphanet 85294, MedGen C5774177, MONDO:0010339, OMIM 300491.

Allele frequency attached by ClinVar (database versions not stated): gnomAD exomes 0.00001.
gnomAD v4.1: 2 of 1,160,026 alleles (0.00017%); highest among the groups gnomAD compares: Non-Finnish European, 0.00023%; no homozygotes.

Submissions (2):

Ambry Genetics
Classification: Uncertain significance for Inborn genetic diseases. Last evaluated: 2026-05-06. Review status: criteria provided, single submitter. Criteria: Ambry Variant Classification Scheme 2023. Collection method: clinical testing. Allele origin: germline.

Labcorp Genetics (formerly Invitae), Labcorp
Classification: Uncertain significance for Epilepsy, X-linked 1, with variable learning disabilities and behavior disorders. Last evaluated: 2022-02-05. Review status: criteria provided, single submitter. Criteria: Invitae Variant Classification Sherloc (09022015). Collection method: clinical testing. Allele origin: germline.
Comment: In summary, the available evidence is currently insufficient to determine the role of this variant in disease. Therefore, it has been classified as a Variant of Uncertain Significance. Algorithms developed to predict the effect of sequence changes on RNA splicing suggest that this variant may create or strengthen a splice site. Algorithms developed to predict the effect of missense changes on protein structure and function are either unavailable or do not agree on the potential impact of this missense change (SIFT: "Deleterious"; PolyPhen-2: "Benign"; Align-GVGD: "Class C0"). This variant has not been reported in the literature in individuals affected with SYN1-related conditions. This variant is not present in population databases (gnomAD no frequency). This sequence change replaces glycine, which is neutral and non-polar, with arginine, which is basic and polar, at codon 47 of the SYN1 protein (p.Gly47Arg).

NM_006950.3(SYN1):c.139G>A (p.Gly47Arg)

Gene: SYN1 (synapsin I; minus strand). Cytogenetic location: Xp11.23.
Variant type: single nucleotide variant.
Coding change: c.139G>A on transcript NM_006950.3 (MANE Select); coding-DNA position 139, G replaced by A.
Protein change: p.Gly47Arg; replaces glycine 47 with arginine.
Molecular consequence: missense variant.
Genome position (GRCh38, 1-based): chrX:47,619,590, C>T on the plus strand (G>A on the coding strand, the complement: SYN1 is on the minus strand). VCF-style: chrX-47619590-C-T. GRCh37 (hg19) VCF-style: chrX-47478989-C-T.
Other names: c.139G>A, p.Gly47Arg (NM_133499.2); short protein forms G47R.
Identifiers: ClinVar variation 1380188 (VCV001380188.9), dbSNP rs1477670336, ClinGen allele CA412832048.
Genomic context (GRCh38, chrX:47,619,590, plus strand): 5'-TAGGGGCGGCCGGAGAGGCCGCTGGGGCGACCCCGGAGGACCTCTCGGCAGTGGCGGTCC[C>T]GGGACCGGGCGTGGCTCCGGGGCTGTGGGCACCGGGCGGCGGTGGGGGCGGCTGCGGACG-3'
Protein context (NP_008881.2, residues 37-57): AHSPGATPGP[Gly47Arg]TATAERSSGV